The following is an entry in ClinVar:

ClinVar aggregate classification (germline): Likely pathogenic (1 of 4 stars; one submission).

Conditions:
Progressive myoclonic epilepsy. Also called: Myoclonic Epilepsies, Progressive; Familial progressive myoclonic epilepsy; Myoclonus epilepsy; Progressive myoclonus epilepsy. Identifiers: Orphanet 308, Orphanet 98261, MedGen C0751778, MONDO:0020074.

Submission:

Labcorp Genetics (formerly Invitae), Labcorp
Classification: Likely pathogenic for Progressive myoclonic epilepsy. Last evaluated: 2020-03-03. Review status: criteria provided, single submitter. Criteria: Invitae Variant Classification Sherloc (09022015). Collection method: clinical testing. Allele origin: germline.
Comment: This sequence change affects an acceptor splice site in intron 3 of the SCARB2 gene. It is expected to disrupt RNA splicing and likely results in an absent or disrupted protein product. This variant is not present in population databases (ExAC no frequency). Disruption of this splice site has been observed in an individual affected with progressive myoclonic epilepsy (PMID: 19847901). Donor and acceptor splice site variants typically lead to a loss of protein function (PMID: 16199547), and loss-of-function variants in SCARB2 are known to be pathogenic (PMID: 19847901). In summary, the currently available evidence indicates that the variant is pathogenic, but additional data are needed to prove that conclusively. Therefore, this variant has been classified as Likely Pathogenic.

Literature cited by the submitters: PubMed 19847901; PubMed 16199547.

NM_005506.4(SCARB2):c.424-1G>A

Gene: SCARB2 (scavenger receptor class B member 2; minus strand). Cytogenetic location: 4q21.1.
Variant type: single nucleotide variant.
Coding change: c.424-1G>A on transcript NM_005506.4 (MANE Select); the canonical splice acceptor site of the intron before coding-DNA position 424, G replaced by A.
Molecular consequence: splice acceptor variant. On other transcripts: intron variant (1).
Genome position (GRCh38, 1-based): chr4:76,179,706, C>T on the plus strand (G>A on the coding strand, the complement: SCARB2 is on the minus strand). VCF-style: chr4-76179706-C-T. GRCh37 (hg19) VCF-style: chr4-77100859-C-T.
Other names: c.276-3796G>A (NM_001204255.2).
Identifiers: ClinVar variation 951742 (VCV000951742.10), dbSNP rs1732338984, ClinGen allele CA357327070.
Genomic context (GRCh38, chr4:76,179,706, plus strand): 5'-TTTCAACATGGCCTCGATGATCTCCCTGAGGAAGTGCACCTGGGACCACTCTATGACAGT[C>T]TGCGGAGCAGAGGTATATTAAGACAGCAGCATCCCCTCCAAAGCACCTCCATCCACTCTC-3'